The following is an entry in ClinVar:

ClinVar aggregate classification (germline): Uncertain significance. Review status: criteria provided, multiple submitters, no conflicts (2 of 4 stars). 2 submissions from 2 submitters: Uncertain significance (2). Last evaluated 2024-04-11.

Conditions:
Charcot-Marie-Tooth disease, type I (CMT1). Also called: Charcot-Marie-Tooth disease type 1; Charcot-Marie-Tooth, Type 1. Identifiers: Orphanet 65753, MedGen C0751036, MONDO:0019011.

Submissions (2):

Athena Diagnostics
Classification: Uncertain significance. Last evaluated: 2024-04-11. Review status: criteria provided, single submitter. Criteria: Athena Diagnostics Criteria. Collection method: clinical testing. Allele origin: unknown.
Comment: Available data are insufficient to determine the clinical significance of the variant at this time. This variant has been identified in at least one individual tested at Athena Diagnostics with clinical features associated with this gene. This variant has not been reported in large, multi-ethnic general populations. Computational tools predict that this variant is damaging. The variant is located in a region that is considered important for protein function and/or structure.

Labcorp Genetics (formerly Invitae), Labcorp
Classification: Uncertain significance for Charcot-Marie-Tooth disease, type I. Last evaluated: 2022-09-15. Review status: criteria provided, single submitter. Criteria: Invitae Variant Classification Sherloc (09022015). Collection method: clinical testing. Allele origin: germline.
Comment: This sequence change replaces leucine, which is neutral and non-polar, with isoleucine, which is neutral and non-polar, at codon 117 of the MPZ protein (p.Leu117Ile). This variant is not present in population databases (gnomAD no frequency). This variant has not been reported in the literature in individuals affected with MPZ-related conditions. Advanced modeling of protein sequence and biophysical properties (such as structural, functional, and spatial information, amino acid conservation, physicochemical variation, residue mobility, and thermodynamic stability) performed at Invitae indicates that this missense variant is not expected to disrupt MPZ protein function. In summary, the available evidence is currently insufficient to determine the role of this variant in disease. Therefore, it has been classified as a Variant of Uncertain Significance.

NM_000530.8(MPZ):c.349C>A (p.Leu117Ile)

Gene: MPZ (myelin protein zero; minus strand). Cytogenetic location: 1q23.3.
Variant type: single nucleotide variant.
Coding change: c.349C>A on transcript NM_000530.8 (MANE Select); coding-DNA position 349, C replaced by A.
Protein change: p.Leu117Ile; replaces leucine 117 with isoleucine.
Molecular consequence: missense variant.
Genome position (GRCh38, 1-based): chr1:161,306,807, G>T on the plus strand (C>A on the coding strand, the complement: MPZ is on the minus strand). VCF-style: chr1-161306807-G-T. GRCh37 (hg19) VCF-style: chr1-161276597-G-T.
Other names: c.349C>A, p.Leu117Ile (NM_001315491.2); short protein forms L117I.
Identifiers: ClinVar variation 1912513 (VCV001912513.7), dbSNP rs2526238338, ClinGen allele CA343349216.